The following is an entry in ClinVar:

ClinVar aggregate classification (germline): Likely pathogenic (1 of 4 stars; one submission).

Conditions:
Atypical hemolytic-uremic syndrome with MCP/CD46 anomaly. Also called: HEMOLYTIC UREMIC SYNDROME, ATYPICAL, SUSCEPTIBILITY TO, 2; AHUS, SUSCEPTIBILITY TO, 2. Identifiers: Orphanet 2134, MedGen C2752040, MONDO:0013040, OMIM 612922.

gnomAD v4.1: 1 of 1,592,626 alleles (0.000063%); highest among the groups gnomAD compares: Non-Finnish European, 0.000086%; no homozygotes.

Submission:

MVZ Medizinische Genetik Mainz
Classification: Likely pathogenic for Atypical hemolytic-uremic syndrome with MCP/CD46 anomaly. Last evaluated: 2026-04-09. Review status: criteria provided, single submitter. Criteria: UK Practice Guidelines For Variant Classification V4 01 2020. Collection method: clinical testing. Allele origin: germline. Inheritance: Autosomal dominant inheritance. Affected: yes. Observed: 1 variant allele.
Comment: ACMG Criteria: PM1_STR,PS4_SUP,PM2_SUP,PP3,PP4

NM_172351.3(CD46):c.380G>T (p.Cys127Phe)

Gene: CD46 (CD46 molecule; plus strand). Cytogenetic location: 1q32.2.
Variant type: single nucleotide variant.
Coding change: c.380G>T on transcript NM_172351.3 (MANE Select); coding-DNA position 380, G replaced by T.
Protein change: p.Cys127Phe; replaces cysteine 127 with phenylalanine.
Molecular consequence: missense variant.
Genome position (GRCh38, 1-based): chr1:207,757,633, G>T. VCF-style: chr1-207757633-G-T. GRCh37 (hg19) VCF-style: chr1-207930978-G-T.
Other names: c.380G>T, p.Cys127Phe (NM_172356.3, NM_172357.3, NM_172358.3 and 8 more transcripts); short protein forms C127F.
Identifiers: ClinVar variation 4852331 (VCV004852331.1).
Genomic context (GRCh38, chr1:207,757,633, plus strand): 5'-ATGGCCAAGCAGTCCCTGCAAATGGGACTTACGAGTTTGGTTATCAGATGCACTTTATTT[G>T]TAATGAGGGGTAAGTTGCTCCTTAGAGGAAATAAGGGAAGTGTTAGTAATTTTATTTTTG-3'
Protein context (NP_758861.1, residues 117-137): YEFGYQMHFI[Cys127Phe]NEGYYLIGEE